The following is an entry in ClinVar:

NC_000009.12:g.35657795C>T

Gene: RMRP (RNA component of mitochondrial RNA processing endoribonuclease; minus strand). Cytogenetic location: 9p13.3.
Variant type: single nucleotide variant.
Genome position: GRCh38 VCF-style: chr9-35657795-C-T. GRCh37 (hg19) VCF-style: chr9-35657792-C-T.
Identifiers: ClinVar variation 1481004 (VCV001481004.6), dbSNP rs1823603024, ClinGen allele CA464450437.

ClinVar aggregate classification (germline): Uncertain significance (1 of 4 stars; one submission).

Conditions:
Anauxetic dysplasia. Identifiers: Orphanet 93347, MedGen C1846796, MONDO:0011773.

Allele frequency attached by ClinVar (database versions not stated): gnomAD exomes below 0.00001; gnomAD 0.00001.
gnomAD v4.1: 2 of 699,772 alleles (0.00029%); highest among the groups gnomAD compares: East Asian, 0.0054%; no homozygotes.

Submission:

Labcorp Genetics (formerly Invitae), Labcorp
Classification: Uncertain significance for Anauxetic dysplasia. Last evaluated: 2022-11-22. Review status: criteria provided, single submitter. Criteria: Invitae Variant Classification Sherloc (09022015). Collection method: clinical testing. Allele origin: germline.
Comment: In summary, the available evidence is currently insufficient to determine the role of this variant in disease. Therefore, it has been classified as a Variant of Uncertain Significance. Experimental studies and prediction algorithms are not available or were not evaluated, and the functional significance of this variant is currently unknown. ClinVar contains an entry for this variant (Variation ID: 1481004). This variant has not been reported in the literature in individuals affected with RMRP-related conditions. This variant is not present in population databases (gnomAD no frequency). This variant occurs in the RMRP gene, which encodes an RNA molecule that does not result in a protein product.